The following is an entry in ClinVar:

NM_018671.5(UNC45A):c.239_240del (p.Glu80fs)

Gene: UNC45A (unc-45 myosin chaperone A; plus strand). Cytogenetic location: 15q26.1.
Variant type: Microsatellite.
Coding change: c.239_240del on transcript NM_018671.5 (MANE Select); coding-DNA positions 239 to 240, 2 bases deleted (AG; older notation c.239_240delAG).
Protein change: p.Glu80fs; shifts the reading frame from glutamic acid 80.
Molecular consequence: frameshift variant. On other transcripts: 5 prime UTR variant (1).
Genome position (GRCh38, 1-based): chr15:90,935,971-90,935,972, AG deleted; deleting any 2 consecutive bases within chr15:90,935,969-90,935,972 gives the same sequence; the c. name uses the placement nearest the transcript's 3' end. VCF-style (leftmost placement, unchanged base first): chr15-90935968-CAG-C. GRCh37 (hg19) VCF-style: chr15-91479198-CAG-C.
Other names: c.194_195del, p.Glu65fs (NM_001039675.2, NM_001323621.2); c.239_240del, p.Glu80fs (NM_001323619.1); c.-347AG[1] (NM_001323620.2); c.239_240delAG (NM_001323619.1); short protein forms E65fs, E80fs.
Identifiers: ClinVar variation 4994612 (VCV004994612.1).

ClinVar aggregate classification (germline): Likely pathogenic (1 of 4 stars; one submission).

Conditions:
UNC45A-related disorder. Also called: UNC45A-related condition.

Submission:

PreventionGenetics, part of Exact Sciences
Classification: Likely pathogenic for UNC45A-related condition. Last evaluated: 2026-07-26. Review status: criteria provided, single submitter. Criteria: ACMG Guidelines, 2015. Collection method: clinical testing. Allele origin: germline.
Comment: The UNC45A c.239_240delAG variant is predicted to result in a frameshift and premature protein termination (p.Glu80Glyfs*6). To our knowledge, this variant has not been reported in the literature or in a large population database (gnomAD), indicating this variant is rare. Frameshift variants in UNC45A are expected to be pathogenic. This variant is interpreted as likely pathogenic.